The following is an entry in ClinVar:

ClinVar aggregate classification (germline): Uncertain significance. Review status: criteria provided, multiple submitters, no conflicts (2 of 4 stars). 3 submissions from 3 submitters: Uncertain significance (3). Last evaluated 2025-11-25.

Conditions:
Cardiovascular phenotype. Identifiers: MedGen CN230736.

Allele frequency attached by ClinVar (database versions not stated): gnomAD exomes 0.00002 and 0.00004; gnomAD 0.00001; ExAC 0.00005; ESP Exome Variant Server 0.00008.
gnomAD v4.1: 32 of 1,611,746 alleles (0.002%); highest among the groups gnomAD compares: East Asian, 0.02%; no homozygotes.

Submissions (3):

Labcorp Genetics (formerly Invitae), Labcorp
Classification: Uncertain significance. Last evaluated: 2025-11-25. Review status: criteria provided, single submitter. Criteria: Invitae Variant Classification Sherloc (09022015). Collection method: clinical testing. Allele origin: germline.
Comment: This sequence change replaces arginine, which is basic and polar, with cysteine, which is neutral and slightly polar, at codon 1240 of the ALPK3 protein (p.Arg1240Cys). This variant is present in population databases (rs374436550, gnomAD 0.03%). This variant has not been reported in the literature in individuals affected with ALPK3-related conditions. ClinVar contains an entry for this variant (Variation ID: 1202137). Invitae Evidence Modeling of protein sequence and biophysical properties (such as structural, functional, and spatial information, amino acid conservation, physicochemical variation, residue mobility, and thermodynamic stability) indicates that this missense variant is expected to disrupt ALPK3 protein function with a positive predictive value of 80%. In summary, the available evidence is currently insufficient to determine the role of this variant in disease. Therefore, it has been classified as a Variant of Uncertain Significance.

Ambry Genetics
Classification: Uncertain significance for Cardiovascular phenotype. Last evaluated: 2024-04-27. Review status: criteria provided, single submitter. Criteria: Ambry Variant Classification Scheme 2023. Collection method: clinical testing. Allele origin: germline.
Comment: The p.R1240C variant (also known as c.3718C>T), located in coding exon 6 of the ALPK3 gene, results from a C to T substitution at nucleotide position 3718. The arginine at codon 1240 is replaced by cysteine, an amino acid with highly dissimilar properties. This amino acid position is conserved. In addition, the in silico prediction for this alteration is inconclusive. Based on the available evidence, the clinical significance of this variant remains unclear.

GeneDx
Classification: Uncertain significance. Last evaluated: 2023-04-18. Review status: criteria provided, single submitter. Criteria: GeneDx Variant Classification Process June 2021. Collection method: clinical testing. Allele origin: germline. Affected: yes.
Comment: In silico analysis supports that this missense variant has a deleterious effect on protein structure/function; Has not been previously published as pathogenic or benign to our knowledge

NM_020778.5(ALPK3):c.3112C>T (p.Arg1038Cys)

Gene: ALPK3 (alpha kinase 3; plus strand). Cytogenetic location: 15q25.3.
Variant type: single nucleotide variant.
Coding change: c.3112C>T on transcript NM_020778.5 (MANE Select); coding-DNA position 3112, C replaced by T.
Protein change: p.Arg1038Cys; replaces arginine 1038 with cysteine.
Molecular consequence: missense variant.
Genome position (GRCh38, 1-based): chr15:84,857,850, C>T. VCF-style: chr15-84857850-C-T. GRCh37 (hg19) VCF-style: chr15-85401081-C-T.
Other names: short protein forms R1038C.
Identifiers: ClinVar variation 1202137 (VCV001202137.11), dbSNP rs374436550, ClinGen allele CA7709555.